The following is an entry in ClinVar:

ClinVar aggregate classification (germline): Uncertain significance (1 of 4 stars; one submission).

Conditions:
Severe combined immunodeficiency due to DNA-PKcs deficiency. Also called: Immunodeficiency 26 with or without neurologic abnormalities; IMMUNODEFICIENCY 26 WITH NEUROLOGIC ABNORMALITIES. Identifiers: Orphanet 317425, MedGen C4014833, MONDO:0014423, OMIM 615966.

Allele frequency attached by ClinVar (database versions not stated): gnomAD exomes below 0.00001; ExAC 0.00001.
gnomAD v4.1: 3 of 1,561,160 alleles (0.00019%); highest among the groups gnomAD compares: South Asian, 0.0024%; no homozygotes.

Submission:

Labcorp Genetics (formerly Invitae), Labcorp
Classification: Uncertain significance for Severe combined immunodeficiency due to DNA-PKcs deficiency. Last evaluated: 2022-02-10. Review status: criteria provided, single submitter. Criteria: Invitae Variant Classification Sherloc (09022015). Collection method: clinical testing. Allele origin: germline.
Comment: This variant has not been reported in the literature in individuals affected with PRKDC-related conditions. This variant is present in population databases (rs759390857, gnomAD 0.004%). This sequence change falls in intron 58 of the PRKDC gene. It does not directly change the encoded amino acid sequence of the PRKDC protein. It affects a nucleotide within the consensus splice site. Variants that disrupt the consensus splice site are a relatively common cause of aberrant splicing (PMID: 17576681, 9536098). Algorithms developed to predict the effect of sequence changes on RNA splicing suggest that this variant may disrupt the consensus splice site. In summary, the available evidence is currently insufficient to determine the role of this variant in disease. Therefore, it has been classified as a Variant of Uncertain Significance.

Literature cited by the submitters: PubMed 17576681; PubMed 9536098.

NM_006904.7(PRKDC):c.7951+6A>G

Gene: PRKDC (protein kinase, DNA-activated, catalytic subunit; minus strand). Cytogenetic location: 8q11.21.
Variant type: single nucleotide variant.
Coding change: c.7951+6A>G on transcript NM_006904.7 (MANE Select); 6 bases into the intron after coding-DNA position 7951, A replaced by G.
Molecular consequence: intron variant.
Genome position (GRCh38, 1-based): chr8:47,836,332, T>C on the plus strand (A>G on the coding strand, the complement: PRKDC is on the minus strand). VCF-style: chr8-47836332-T-C. GRCh37 (hg19) VCF-style: chr8-48748893-T-C.
Other names: c.7951+6A>G (NM_001081640.2).
Identifiers: ClinVar variation 1469195 (VCV001469195.6), dbSNP rs759390857, ClinGen allele CA4739985.